The following is an entry in ClinVar:

NM_005802.5(TOPORS):c.1A>G (p.Met1Val)

Genes: TOPORS (TOP1 binding arginine/serine rich protein, E3 ubiquitin ligase; minus strand), TZMP1 (transition zone microprotein 1; plus strand). Cytogenetic location: 9p21.1.
Variant type: single nucleotide variant.
Coding change: c.1A>G on transcript NM_005802.5 (MANE Select); coding-DNA position 1, A replaced by G.
Protein change: p.Met1Val; changes the start codon (methionine 1).
Molecular consequence: missense variant, initiator codon variant. On other transcripts: non-coding transcript variant (2).
Genome position (GRCh38, 1-based): chr9:32,552,436, T>C on the plus strand (A>G on the coding strand, the complement: TOPORS is on the minus strand). VCF-style: chr9-32552436-T-C. GRCh37 (hg19) VCF-style: chr9-32552434-T-C.
Other names: c.2T>C, p.Met1Thr (NM_001349118.1, NM_001349119.2, NM_001387564.1); c.1A>G, p.Met1Val (NM_001195622.2); short protein forms M1V, M1T.
Identifiers: ClinVar variation 858769 (VCV000858769.10), dbSNP rs1821311075, ClinGen allele CA373174196.
Genomic context (GRCh38, chr9:32,552,436, plus strand): 5'-GGTTACTGTAAGGCCCGCAGCTCCCGCCAGCTCCCGCGGACTGCTGCCGCCTCCTTACCA[T>C]GAAGCCAGTAAGTCGTCGCACGCTGGACTGGATTTATTCAGTGGTAAGTCCCGGGGATCG-3'
Protein context (NP_005793.2, residues 1-11): [Met1Val]GSQPPLGSPL

ClinVar aggregate classification (germline): Uncertain significance (1 of 4 stars; one submission).

Submission:

Labcorp Genetics (formerly Invitae), Labcorp
Classification: Uncertain significance. Last evaluated: 2025-10-01. Review status: criteria provided, single submitter. Criteria: Invitae Variant Classification Sherloc (09022015). Collection method: clinical testing. Allele origin: germline.
Comment: This sequence change affects the initiator codon of the TOPORS mRNA. This change may impact translation initiation or efficiency. The next in-frame methionine is located at codon 68. This variant is not present in population databases (gnomAD no frequency). This variant has not been reported in the literature in individuals affected with TOPORS-related conditions. ClinVar contains an entry for this variant (Variation ID: 858769). Experimental studies and prediction algorithms are not available or were not evaluated, and the functional significance of this variant is currently unknown. In summary, the available evidence is currently insufficient to determine the role of this variant in disease. Therefore, it has been classified as a Variant of Uncertain Significance.